The following is an entry in ClinVar:

ClinVar aggregate classification (germline): Pathogenic (1 of 4 stars; one submission).

Submission:

GeneDx
Classification: Pathogenic. Last evaluated: 2018-05-24. Review status: criteria provided, single submitter. Criteria: GeneDx Variant Classification (06012015). Collection method: clinical testing. Allele origin: germline. Affected: yes.
Comment: The c.324dupA variant in the EFNB1 gene has been reported previously (as c.324_325insA) in an individual with craniofrontonasal syndrome (Wieland et al., 2005). The c.324dupA variant causes a frameshift starting with codon Arginine 109, changes this amino acid to a Threonine residue, and creates a premature Stop codon at position 23 of the new reading frame, denoted p.Arg109ThrfsX23. This variant is predicted to cause loss of normal protein function either through protein truncation or nonsense-mediated mRNA decay. The c.324dupA variant is not observed in large population cohorts (Lek et al., 2016). We interpret c.324dupA as a pathogenic variant.

NM_004429.5(EFNB1):c.324dup (p.Arg109fs)

Gene: EFNB1 (ephrin B1; plus strand). Cytogenetic location: Xq13.1.
Variant type: Duplication.
Coding change: c.324dup on transcript NM_004429.5 (MANE Select); coding-DNA position 324, one base duplicated (A; older notation c.324dupA).
Protein change: p.Arg109fs; shifts the reading frame from arginine 109.
Molecular consequence: frameshift variant.
Genome position (GRCh38, 1-based): chrX:68,838,812, A duplicated. VCF-style (leftmost placement, unchanged base first): chrX-68838811-T-TA. GRCh37 (hg19) VCF-style: chrX-68058654-T-TA.
Other names: short protein forms R109fs.
Identifiers: ClinVar variation 817042 (VCV000817042.1), dbSNP rs1602670769, ClinGen allele CA915951136.
Genomic context (GRCh38, chrX:68,838,811, plus strand): 5'-CCTGTAGCACAGTTCTCGACCCCAACGTGTTGGTCACCTGCAATAGGCCAGAGCAGGAAA[T>TA]ACGCTTTACCATCAAGTTCCAGGAGTTCAGCCCCAACTACATGGGCCTGGAGTTCAAGAA-3'